The following is an entry in ClinVar:

NM_176787.5(PIGN):c.2576+5G>A

Gene: PIGN (phosphatidylinositol glycan anchor biosynthesis class N; minus strand). Cytogenetic location: 18q21.33.
Variant type: single nucleotide variant.
Coding change: c.2576+5G>A on transcript NM_176787.5 (MANE Select); 5 bases into the intron after coding-DNA position 2576, G replaced by A.
Molecular consequence: intron variant.
Genome position (GRCh38, 1-based): chr18:62,082,668, C>T on the plus strand (G>A on the coding strand, the complement: PIGN is on the minus strand). VCF-style: chr18-62082668-C-T. GRCh37 (hg19) VCF-style: chr18-59749901-C-T.
Other names: c.2174+5G>A (NM_001438910.1); c.2576+5G>A (NM_012327.6, NM_001438896.1, NM_001438905.1 and 1 more transcripts).
Identifiers: ClinVar variation 4542268 (VCV004542268.1).

ClinVar aggregate classification (germline): Uncertain significance (1 of 4 stars; one submission).

gnomAD v4.1: 2 of 1,490,722 alleles (0.00013%); highest among the groups gnomAD compares: Non-Finnish European, 0.00018%; no homozygotes.

Submission:

Mayo Clinic Laboratories, Mayo Clinic
Classification: Uncertain significance. Last evaluated: 2025-10-18. Review status: criteria provided, single submitter. Criteria: ACMG Guidelines, 2015. Collection method: clinical testing. Allele origin: germline. Observed: 1 variant allele.
Comment: PM2_supporting